The following is an entry in ClinVar:

ClinVar aggregate classification (germline): Uncertain significance. Review status: criteria provided, multiple submitters, no conflicts (2 of 4 stars). 2 submissions from 2 submitters: Uncertain significance (2). Last evaluated 2024-07-09.

Conditions:
Inborn genetic diseases. Identifiers: MedGen C0950123, MeSH D030342.

Allele frequency attached by ClinVar (database versions not stated): TOPMed below 0.00001; gnomAD 0.00001; gnomAD exomes 0.00001.
gnomAD v4.1: 13 of 1,611,982 alleles (0.00081%); highest among the groups gnomAD compares: African/African-American, 0.0013%; no homozygotes.

Submissions (2):

Ambry Genetics
Classification: Uncertain significance for Inborn genetic diseases. Last evaluated: 2024-07-09. Review status: criteria provided, single submitter. Criteria: Ambry Variant Classification Scheme 2023. Collection method: clinical testing. Allele origin: germline.

Labcorp Genetics (formerly Invitae), Labcorp
Classification: Uncertain significance. Last evaluated: 2020-01-24. Review status: criteria provided, single submitter. Criteria: Invitae Variant Classification Sherloc (09022015). Collection method: clinical testing. Allele origin: germline.
Comment: This sequence change replaces tryptophan with cysteine at codon 183 of the PRKN protein (p.Trp183Cys). The tryptophan residue is highly conserved and there is a large physicochemical difference between tryptophan and cysteine. This variant is not present in population databases (ExAC no frequency). This variant has not been reported in the literature in individuals with PRKN-related disease. Algorithms developed to predict the effect of missense changes on protein structure and function are either unavailable or do not agree on the potential impact of this missense change (SIFT: "Deleterious"; PolyPhen-2: "Probably Damaging"; Align-GVGD: "Class C0"). In summary, the available evidence is currently insufficient to determine the role of this variant in disease. Therefore, it has been classified as a Variant of Uncertain Significance.

NM_004562.3(PRKN):c.549G>T (p.Trp183Cys)

Gene: PRKN (parkin RBR E3 ubiquitin protein ligase; minus strand). Cytogenetic location: 6q26.
Variant type: single nucleotide variant.
Coding change: c.549G>T on transcript NM_004562.3 (MANE Select); coding-DNA position 549, G replaced by T.
Protein change: p.Trp183Cys; replaces tryptophan 183 with cysteine.
Molecular consequence: missense variant. On other transcripts: intron variant (2).
Genome position (GRCh38, 1-based): chr6:162,054,160, C>A on the plus strand (G>T on the coding strand, the complement: PRKN is on the minus strand). VCF-style: chr6-162054160-C-A. GRCh37 (hg19) VCF-style: chr6-162475192-C-A.
Other names: c.172-80743G>T (NM_013988.3); c.535-80743G>T (NM_013987.3); short protein forms W183C.
Identifiers: ClinVar variation 663508 (VCV000663508.9), dbSNP rs1582962161, ClinGen allele CA366475365.